The following is an entry in ClinVar:

ClinVar aggregate classification (germline): Uncertain significance (1 of 4 stars; one submission).

Allele frequency attached by ClinVar (database versions not stated): gnomAD exomes 0.00002 and 0.00011; TOPMed 0.00003; ExAC 0.00004; gnomAD 0.00004 and 0.00005; ESP Exome Variant Server 0.00015.
gnomAD v4.1: 166 of 1,612,676 alleles (0.01%); highest among the groups gnomAD compares: Non-Finnish European, 0.013%; no homozygotes.

Submission:

Labcorp Genetics (formerly Invitae), Labcorp
Classification: Uncertain significance. Last evaluated: 2025-06-01. Review status: criteria provided, single submitter. Criteria: Invitae Variant Classification Sherloc (09022015). Collection method: clinical testing. Allele origin: germline.
Comment: This sequence change replaces glycine, which is neutral and non-polar, with serine, which is neutral and polar, at codon 73 of the CLCN6 protein (p.Gly73Ser). This variant is present in population databases (rs370967685, gnomAD 0.01%). This variant has not been reported in the literature in individuals affected with CLCN6-related conditions. ClinVar contains an entry for this variant (Variation ID: 1497778). An algorithm developed to predict the effect of missense changes on protein structure and function (PolyPhen-2) suggests that this variant is likely to be tolerated. In summary, the available evidence is currently insufficient to determine the role of this variant in disease. Therefore, it has been classified as a Variant of Uncertain Significance.

NM_001286.5(CLCN6):c.217G>A (p.Gly73Ser)

Gene: CLCN6 (chloride voltage-gated channel 6; plus strand). Cytogenetic location: 1p36.22.
Variant type: single nucleotide variant.
Coding change: c.217G>A on transcript NM_001286.5 (MANE Select); coding-DNA position 217, G replaced by A.
Protein change: p.Gly73Ser; replaces glycine 73 with serine.
Molecular consequence: missense variant. On other transcripts: non-coding transcript variant (1).
Genome position (GRCh38, 1-based): chr1:11,816,618, G>A. VCF-style: chr1-11816618-G-A. GRCh37 (hg19) VCF-style: chr1-11876675-G-A.
Other names: c.151G>A, p.Gly51Ser (NM_001256959.2); short protein forms G73S, G51S.
Identifiers: ClinVar variation 1497778 (VCV001497778.6), dbSNP rs370967685, ClinGen allele CA595952.